The following is an entry in ClinVar:

NM_001374736.1(DST):c.22777A>C (p.Met7593Leu)

Gene: DST (dystonin; minus strand). Cytogenetic location: 6p12.1.
Variant type: single nucleotide variant.
Coding change: c.22777A>C on transcript NM_001374736.1 (MANE Select); coding-DNA position 22777, A replaced by C.
Protein change: p.Met7593Leu; replaces methionine 7593 with leucine.
Molecular consequence: missense variant.
Genome position (GRCh38, 1-based): chr6:56,463,747, T>G on the plus strand (A>C on the coding strand, the complement: DST is on the minus strand). VCF-style: chr6-56463747-T-G. GRCh37 (hg19) VCF-style: chr6-56328545-T-G.
Other names: c.16348A>C, p.Met5450Leu (NM_001144769.5); c.15934A>C, p.Met5312Leu (NM_001144770.2); c.22705A>C, p.Met7569Leu (NM_001374722.1); c.21817A>C, p.Met7273Leu (NM_001374729.1); c.15559A>C, p.Met5187Leu (NM_001374730.1); c.22732A>C, p.Met7578Leu (NM_001374734.1); c.15796A>C, p.Met5266Leu (NM_001386100.1); c.14836A>C, p.Met4946Leu (NM_015548.5); and 1 more; short protein forms M7273L, M4946L, M5187L, M5266L, M5272L, M5450L, M7578L, M7593L.
Identifiers: ClinVar variation 1776887 (VCV001776887.2), dbSNP rs1297805437, ClinGen allele CA364505076.

ClinVar aggregate classification (germline): Uncertain significance (1 of 4 stars; one submission).

Conditions:
Inborn genetic diseases. Identifiers: MedGen C0950123, MeSH D030342.

gnomAD v4.1: 6 of 1,613,990 alleles (0.00037%); highest among the groups gnomAD compares: South Asian, 0.0066%; no homozygotes.

Submission:

Ambry Genetics
Classification: Uncertain significance for Inborn genetic diseases. Last evaluated: 2022-09-06. Review status: criteria provided, single submitter. Criteria: Ambry Variant Classification Scheme 2023. Collection method: clinical testing. Allele origin: germline.
Comment: The p.M5450L variant (also known as c.16348A>C), located in coding exon 94 of the DST gene, results from an A to C substitution at nucleotide position 16348. The methionine at codon 5450 is replaced by leucine, an amino acid with highly similar properties. This amino acid position is not well conserved in available vertebrate species. In addition, this alteration is predicted to be tolerated by in silico analysis. Since supporting evidence is limited at this time, the clinical significance of this alteration remains unclear.